The following is an entry in ClinVar:

ClinVar aggregate classification (germline): Uncertain significance (1 of 4 stars; one submission).

Conditions:
Hereditary cancer-predisposing syndrome. Also called: Neoplastic Syndromes, Hereditary; Tumor predisposition; Hereditary Cancer Syndrome; Hereditary neoplastic syndrome. Identifiers: Orphanet 140162, MedGen C0027672, MeSH D009386, MONDO:0015356.

Submission:

Ambry Genetics
Classification: Uncertain significance for Hereditary cancer-predisposing syndrome. Last evaluated: 2022-04-11. Review status: criteria provided, single submitter. Criteria: Ambry Variant Classification Scheme 2023. Collection method: clinical testing. Allele origin: germline.
Comment: The c.4910-942G>T intronic alteration consists of a G to T substitution 942 nucleotides before coding exon 32 in the ATM gene. Based on insufficient or conflicting evidence, the clinical significance of this alteration remains unclear.

NM_000051.4(ATM):c.4910-942G>T

Gene: ATM (ATM serine/threonine kinase; plus strand). Cytogenetic location: 11q22.3.
Variant type: single nucleotide variant.
Coding change: c.4910-942G>T on transcript NM_000051.4 (MANE Select); 942 bases into the intron before coding-DNA position 4910, G replaced by T.
Molecular consequence: intron variant.
Genome position (GRCh38, 1-based): chr11:108,296,345, G>T. VCF-style: chr11-108296345-G-T. GRCh37 (hg19) VCF-style: chr11-108167072-G-T.
Other names: c.4910-942G>T (NM_001351834.2).
Identifiers: ClinVar variation 2229467 (VCV002229467.2), dbSNP rs893675150, ClinGen allele CA228381892.